The following is an entry in ClinVar:

ClinVar aggregate classification (germline): Uncertain significance. Review status: criteria provided, multiple submitters, no conflicts (2 of 4 stars). 3 submissions from 3 submitters: Uncertain significance (3). Last evaluated 2024-08-28.

Conditions:
Hennekam lymphangiectasia-lymphedema syndrome 2 (HKLLS2). Identifiers: Orphanet 2136, MedGen C4014939, MONDO:0014454, OMIM 616006.
Van Maldergem syndrome 2 (VMLDS2). Identifiers: Orphanet 314679, MedGen C3809875, MONDO:0014242, OMIM 615546.
Inborn genetic diseases. Identifiers: MedGen C0950123, MeSH D030342.

Allele frequency attached by ClinVar (database versions not stated): gnomAD exomes below 0.00001.
gnomAD v4.1: 7 of 1,614,178 alleles (0.00043%); highest among the groups gnomAD compares: Non-Finnish European, 0.00059%; no homozygotes.

Submissions (3):

Ambry Genetics
Classification: Uncertain significance for Inborn genetic diseases. Last evaluated: 2024-08-28. Review status: criteria provided, single submitter. Criteria: Ambry Variant Classification Scheme 2023. Collection method: clinical testing. Allele origin: germline.

Fulgent Genetics
Classification: Uncertain significance for Van Maldergem syndrome 2; Hennekam lymphangiectasia-lymphedema syndrome 2. Last evaluated: 2024-03-07. Review status: criteria provided, single submitter. Criteria: ACMG Guidelines, 2015. Collection method: clinical testing. Allele origin: germline.

Labcorp Genetics (formerly Invitae), Labcorp
Classification: Uncertain significance. Last evaluated: 2023-08-04. Review status: criteria provided, single submitter. Criteria: Invitae Variant Classification Sherloc (09022015). Collection method: clinical testing. Allele origin: germline.
Comment: ClinVar contains an entry for this variant (Variation ID: 1393844). This variant has not been reported in the literature in individuals affected with FAT4-related conditions. This variant is not present in population databases (gnomAD no frequency). This sequence change replaces glycine, which is neutral and non-polar, with tryptophan, which is neutral and slightly polar, at codon 1116 of the FAT4 protein (p.Gly1116Trp). In summary, the available evidence is currently insufficient to determine the role of this variant in disease. Therefore, it has been classified as a Variant of Uncertain Significance. Advanced modeling of protein sequence and biophysical properties (such as structural, functional, and spatial information, amino acid conservation, physicochemical variation, residue mobility, and thermodynamic stability) performed at Invitae indicates that this missense variant is not expected to disrupt FAT4 protein function.

NM_001291303.3(FAT4):c.3346G>T (p.Gly1116Trp)

Gene: FAT4 (FAT atypical cadherin 4; plus strand). Cytogenetic location: 4q28.1.
Variant type: single nucleotide variant.
Coding change: c.3346G>T on transcript NM_001291303.3 (MANE Select); coding-DNA position 3346, G replaced by T.
Protein change: p.Gly1116Trp; replaces glycine 1116 with tryptophan.
Molecular consequence: missense variant.
Genome position (GRCh38, 1-based): chr4:125,319,757, G>T. VCF-style: chr4-125319757-G-T. GRCh37 (hg19) VCF-style: chr4-126240912-G-T.
Other names: c.3346G>T (NM_024582.4, NM_024582.5); c.3346G>T, p.Gly1116Trp (NM_001291285.3, NM_024582.6); short protein forms G1116W.
Identifiers: ClinVar variation 1393844 (VCV001393844.9), dbSNP rs2125943177, ClinGen allele CA358122315.